The following is an entry in ClinVar:

NM_000374.5(UROD):c.213+5G>A

Gene: UROD (uroporphyrinogen decarboxylase; plus strand). Cytogenetic location: 1p34.1.
Variant type: single nucleotide variant.
Coding change: c.213+5G>A on transcript NM_000374.5 (MANE Select); 5 bases into the intron after coding-DNA position 213, G replaced by A.
Molecular consequence: intron variant.
Genome position (GRCh38, 1-based): chr1:45,013,220, G>A. VCF-style: chr1-45013220-G-A. GRCh37 (hg19) VCF-style: chr1-45478892-G-A.
Identifiers: ClinVar variation 4774836 (VCV004774836.1).

ClinVar aggregate classification (germline): Uncertain significance (1 of 4 stars; one submission).

Submission:

Labcorp Genetics (formerly Invitae), Labcorp
Classification: Uncertain significance. Last evaluated: 2025-04-26. Review status: criteria provided, single submitter. Criteria: Invitae Variant Classification Sherloc (09022015). Collection method: clinical testing. Allele origin: germline.
Comment: This sequence change falls in intron 3 of the UROD gene. It does not directly change the encoded amino acid sequence of the UROD protein. It affects a nucleotide within the consensus splice site. This variant is not present in population databases (gnomAD no frequency). This variant has not been reported in the literature in individuals affected with UROD-related conditions. Variants that disrupt the consensus splice site are a relatively common cause of aberrant splicing (PMID: 17576681, 9536098). Algorithms developed to predict the effect of sequence changes on RNA splicing suggest that this variant may disrupt the consensus splice site. In summary, the available evidence is currently insufficient to determine the role of this variant in disease. Therefore, it has been classified as a Variant of Uncertain Significance.

Literature cited by the submitters: PubMed 17576681; PubMed 9536098.